The following is an entry in ClinVar:

NM_153676.4(USH1C):c.1550C>T (p.Pro517Leu)

Gene: USH1C (USH1 protein network component harmonin; minus strand). Cytogenetic location: 11p15.1.
Variant type: single nucleotide variant.
Coding change: c.1550C>T on transcript NM_153676.4 (MANE Select); coding-DNA position 1550, C replaced by T.
Protein change: p.Pro517Leu; replaces proline 517 with leucine.
Molecular consequence: missense variant. On other transcripts: intron variant (11).
Genome position (GRCh38, 1-based): chr11:17,509,819, G>A on the plus strand (C>T on the coding strand, the complement: USH1C is on the minus strand). VCF-style: chr11-17509819-G-A. GRCh37 (hg19) VCF-style: chr11-17531366-G-A.
Other names: c.1227+7582C>T (NM_001297764.2); c.1210+11051C>T (NM_001440687.1); c.1413+2083C>T (NM_001440681.1); c.1284+7582C>T (NM_001440685.1, NM_005709.4, NM_001440682.1); c.1285-5122C>T (NM_001440683.1); c.1437+2083C>T (NM_001440680.1); c.1260+7582C>T (NM_001440686.1); c.1317+7582C>T (NM_001440684.1); and 1 more; short protein forms P517L.
Identifiers: ClinVar variation 4999917 (VCV004999917.1).
Genomic context (GRCh38, chr11:17,509,819, plus strand): 5'-TGCAGTCCGCCTGCGAAGCGTCTCAAGGGTGGGGCCAGGGGAGACACAGAAGGCGGGGGA[G>A]GCGGGGGCCCTGTGGTCATCTGGGGGTGTTGCAAGGAAGTTCTGTAATTGTCACTCTGCT-3'
Protein context (NP_710142.1, residues 507-527): EISEMTTGPP[Pro517Leu]PPPSVSPLAP

ClinVar aggregate classification (germline): Uncertain significance (1 of 4 stars; one submission).

Conditions:
USH1C-related disorder. Also called: USH1C-related condition.

gnomAD v4.1: 12 of 1,597,366 alleles (0.00075%); highest among the groups gnomAD compares: East Asian, 0.011%; no homozygotes.

Submission:

PreventionGenetics, part of Exact Sciences
Classification: Uncertain significance for USH1C-related condition. Last evaluated: 2025-03-31. Review status: criteria provided, single submitter. Criteria: ACMG Guidelines, 2015. Collection method: clinical testing. Allele origin: germline.
Comment: The USH1C c.1550C>T variant is predicted to result in the amino acid substitution p.Pro517Leu. To our knowledge, this variant has not been reported in the literature. This variant is reported in 0.028% of alleles in individuals of East Asian descent in gnomAD. At this time, the clinical significance of this variant is uncertain due to the absence of conclusive functional and genetic evidence.